The following is an entry in ClinVar:

NM_001267550.2(TTN):c.61720C>T (p.Gln20574Ter)

Genes: TTN (titin; minus strand), TTN-AS1 (TTN antisense RNA 1; plus strand). Cytogenetic location: 2q31.2.
Variant type: single nucleotide variant.
Coding change: c.61720C>T on transcript NM_001267550.2 (MANE Select); coding-DNA position 61720, C replaced by T.
Protein change: p.Gln20574Ter; replaces glutamine 20574 with a stop codon.
Molecular consequence: nonsense.
Genome position (GRCh38, 1-based): chr2:178,590,005, G>A on the plus strand (C>T on the coding strand, the complement: TTN is on the minus strand). VCF-style: chr2-178590005-G-A. GRCh37 (hg19) VCF-style: chr2-179454732-G-A.
Other names: c.56797C>T, p.Gln18933Ter (NM_001256850.1); c.34525C>T, p.Gln11509Ter (NM_003319.4); c.54016C>T, p.Gln18006Ter (NM_133378.4); c.34900C>T, p.Gln11634Ter (NM_133432.3); c.35101C>T, p.Gln11701Ter (NM_133437.4); short protein forms Q11509*, Q11634*, Q11701*, Q18006*, Q18933*, Q20574*.
Identifiers: ClinVar variation 3760426 (VCV003760426.2).
Genomic context (GRCh38, chr2:178,590,005, plus strand): 5'-GTGGGTTTTCCCAAGAAATTGTACAGTTCTCTTTGGTTACATTGGTAACCTTCAAATTCT[G>A]GCAAGGCCCAGGTCTGTCAAGGACGTTAACGATGGCTGAACCTTGGGCATGTCCACTGCT-3'

ClinVar aggregate classification (germline): Likely pathogenic (1 of 4 stars; one submission).

Conditions:
Autosomal recessive limb-girdle muscular dystrophy type 2J (LGMDR10). Also called: Limb-girdle muscular dystrophy, type 2J; MUSCULAR DYSTROPHY, LIMB-GIRDLE, AUTOSOMAL RECESSIVE 10. Identifiers: Orphanet 140922, MedGen C1837342, MONDO:0012127, OMIM 608807.
Dilated cardiomyopathy 1G (CMD1G). Identifiers: Orphanet 154, MedGen C1858763, MONDO:0011400, OMIM 604145.

Submission:

Labcorp Genetics (formerly Invitae), Labcorp
Classification: Likely pathogenic for Dilated cardiomyopathy 1G; Autosomal recessive limb-girdle muscular dystrophy type 2J. Last evaluated: 2025-01-23. Review status: criteria provided, single submitter. Criteria: Invitae Variant Classification Sherloc (09022015). Collection method: clinical testing. Allele origin: germline.
Comment: This sequence change creates a premature translational stop signal (p.Gln20574*) in the TTN gene. While this is not anticipated to result in nonsense mediated decay, it is expected to create a truncated TTN protein. This variant is not present in population databases (gnomAD no frequency). This variant has not been reported in the literature in individuals affected with TTN-related conditions. This variant is located in the A band of TTN (PMID: 25589632). Truncating variants in this region are significantly overrepresented in patients affected with dilated cardiomyopathy (PMID: 25589632). Truncating variants in this region have also been reported in individuals affected with autosomal recessive centronuclear myopathy (PMID: 23975875). In summary, the currently available evidence indicates that the variant is pathogenic, but additional data are needed to prove that conclusively. Therefore, this variant has been classified as Likely Pathogenic.

Literature cited by the submitters: PubMed 25589632; PubMed 23975875.